The following is an entry in ClinVar:

NM_002109.6(HARS1):c.1414A>G (p.Lys472Glu)

Gene: HARS1 (histidyl-tRNA synthetase 1; minus strand). Cytogenetic location: 5q31.3.
Variant type: single nucleotide variant.
Coding change: c.1414A>G on transcript NM_002109.6 (MANE Select); coding-DNA position 1414, A replaced by G.
Protein change: p.Lys472Glu; replaces lysine 472 with glutamic acid.
Molecular consequence: missense variant.
Genome position (GRCh38, 1-based): chr5:140,674,723, T>C on the plus strand (A>G on the coding strand, the complement: HARS1 is on the minus strand). VCF-style: chr5-140674723-T-C. GRCh37 (hg19) VCF-style: chr5-140054308-T-C.
Other names: c.1294A>G, p.Lys432Glu (NM_001258040.3); c.1354A>G, p.Lys452Glu (NM_001258041.3); c.1234A>G, p.Lys412Glu (NM_001258042.3); c.1192A>G, p.Lys398Glu (NM_001289092.2); c.1072A>G, p.Lys358Glu (NM_001289093.2); c.1327A>G, p.Lys443Glu (NM_001289094.2); short protein forms K443E, K452E, K358E, K472E, K398E, K412E, K432E.
Identifiers: ClinVar variation 2021420 (VCV002021420.4), dbSNP rs1758254824, ClinGen allele CA361247071.
Genomic context (GRCh38, chr5:140,674,723, plus strand): 5'-TGCCCACCTCCCTCACCTCTTCCCTGCTCGTCACTGAACGGAGCTTGATGACCCCATCCT[T>C]GAGTTCCTGCTCGCCGATGATAGCCACCAGTGGGATGCCTGCCTCCTCACAGTACTGTAA-3'
Protein context (NP_002100.2, residues 462-482): LVAIIGEQEL[Lys472Glu]DGVIKLRSVT

ClinVar aggregate classification (germline): Uncertain significance (1 of 4 stars; one submission).

Conditions:
Usher syndrome type 3B. Also called: USHER SYNDROME, TYPE IIIB. Identifiers: MedGen C3281066, MONDO:0013788, OMIM 614504.

Allele frequency attached by ClinVar (database versions not stated): gnomAD exomes below 0.00001.

Submission:

Labcorp Genetics (formerly Invitae), Labcorp
Classification: Uncertain significance for Usher syndrome type 3B. Last evaluated: 2022-10-25. Review status: criteria provided, single submitter. Criteria: Invitae Variant Classification Sherloc (09022015). Collection method: clinical testing. Allele origin: germline.
Comment: In summary, the available evidence is currently insufficient to determine the role of this variant in disease. Therefore, it has been classified as a Variant of Uncertain Significance. Advanced modeling of protein sequence and biophysical properties (such as structural, functional, and spatial information, amino acid conservation, physicochemical variation, residue mobility, and thermodynamic stability) performed at Invitae indicates that this missense variant is not expected to disrupt HARS protein function. This variant has not been reported in the literature in individuals affected with HARS-related conditions. This variant is not present in population databases (gnomAD no frequency). This sequence change replaces lysine, which is basic and polar, with glutamic acid, which is acidic and polar, at codon 472 of the HARS protein (p.Lys472Glu).